The following is an entry in ClinVar:

ClinVar aggregate classification (germline): Uncertain significance (1 of 4 stars; one submission).

Submission:

GeneDx
Classification: Uncertain significance. Last evaluated: 2019-06-24. Review status: criteria provided, single submitter. Criteria: GeneDx Variant Classification Process June 2021. Collection method: clinical testing. Allele origin: germline. Affected: yes.
Comment: Not observed in large population cohorts (Lek et al., 2016); In silico analysis, which includes protein predictors and evolutionary conservation, supports a deleterious effect; Has not been previously published as pathogenic or benign to our knowledge

NM_001164405.2(BHLHA9):c.140G>T (p.Gly47Val)

Gene: BHLHA9 (basic helix-loop-helix family member a9; plus strand). Cytogenetic location: 17p13.3.
Variant type: single nucleotide variant.
Coding change: c.140G>T on transcript NM_001164405.2 (MANE Select); coding-DNA position 140, G replaced by T.
Protein change: p.Gly47Val; replaces glycine 47 with valine.
Molecular consequence: missense variant.
Genome position (GRCh38, 1-based): chr17:1,270,703, G>T. VCF-style: chr17-1270703-G-T. GRCh37 (hg19) VCF-style: chr17-1173997-G-T.
Other names: short protein forms G47V.
Identifiers: ClinVar variation 1306608 (VCV001306608.2), dbSNP rs1484903776, ClinGen allele CA397523459.